The following is an entry in ClinVar:

ClinVar aggregate classification (germline): Uncertain significance (1 of 4 stars; one submission).

Allele frequency attached by ClinVar (database versions not stated): gnomAD 0.00001; gnomAD exomes 0.00001; TOPMed 0.00002; ExAC 0.00007.
gnomAD v4.1: 19 of 1,607,232 alleles (0.0012%); highest among the groups gnomAD compares: East Asian, 0.029%; no homozygotes.

Submission:

Labcorp Genetics (formerly Invitae), Labcorp
Classification: Uncertain significance. Last evaluated: 2024-07-22. Review status: criteria provided, single submitter. Criteria: Invitae Variant Classification Sherloc (09022015). Collection method: clinical testing. Allele origin: germline.
Comment: This sequence change replaces isoleucine, which is neutral and non-polar, with threonine, which is neutral and polar, at codon 229 of the APPL1 protein (p.Ile229Thr). The frequency data for this variant in the population databases is considered unreliable, as metrics indicate poor data quality at this position in the gnomAD database. This variant has not been reported in the literature in individuals affected with APPL1-related conditions. Advanced modeling of protein sequence and biophysical properties (such as structural, functional, and spatial information, amino acid conservation, physicochemical variation, residue mobility, and thermodynamic stability) performed at Invitae indicates that this missense variant is not expected to disrupt APPL1 protein function with a negative predictive value of 80%. In summary, the available evidence is currently insufficient to determine the role of this variant in disease. Therefore, it has been classified as a Variant of Uncertain Significance.

NM_012096.3(APPL1):c.686T>C (p.Ile229Thr)

Gene: APPL1 (adaptor protein, phosphotyrosine interacting with PH domain and leucine zipper 1; plus strand). Cytogenetic location: 3p14.3.
Variant type: single nucleotide variant.
Coding change: c.686T>C on transcript NM_012096.3 (MANE Select); coding-DNA position 686, T replaced by C.
Protein change: p.Ile229Thr; replaces isoleucine 229 with threonine.
Molecular consequence: missense variant.
Genome position (GRCh38, 1-based): chr3:57,247,459, T>C. VCF-style: chr3-57247459-T-C. GRCh37 (hg19) VCF-style: chr3-57281487-T-C.
Other names: short protein forms I229T.
Identifiers: ClinVar variation 2888229 (VCV002888229.3), dbSNP rs745331742, ClinGen allele CA2463589.